The following is an entry in ClinVar:

NM_002016.2(FLG):c.11764T>A (p.Ser3922Thr)

Genes: CCDST (cervical cancer associated DHX9 suppressive transcript; plus strand), FLG (filaggrin; minus strand). Cytogenetic location: 1q21.3.
Variant type: single nucleotide variant.
Coding change: c.11764T>A on transcript NM_002016.2 (MANE Select); coding-DNA position 11764, T replaced by A.
Protein change: p.Ser3922Thr; replaces serine 3922 with threonine.
Molecular consequence: missense variant.
Genome position (GRCh38, 1-based): chr1:152,303,122, A>T on the plus strand (T>A on the coding strand, the complement: FLG is on the minus strand). VCF-style: chr1-152303122-A-T. GRCh37 (hg19) VCF-style: chr1-152275598-A-T.
Other names: short protein forms S3922T.
Identifiers: ClinVar variation 3765573 (VCV003765573.1).

ClinVar aggregate classification (germline): Uncertain significance (1 of 4 stars; one submission).

gnomAD v4.1: 18 of 1,614,058 alleles (0.0011%); highest among the groups gnomAD compares: Admixed American, 0.023%; no homozygotes.

Submission:

Greenwood Genetic Center Diagnostic Laboratories, Greenwood Genetic Center
Classification: Uncertain significance. Last evaluated: 2024-08-09. Review status: criteria provided, single submitter. Criteria: ACMG Guidelines, 2015. Collection method: clinical testing. Allele origin: germline. Affected: yes.
Comment: PM2, BP4